The following is an entry in ClinVar:

NM_014633.5(CTR9):c.1907A>G (p.Tyr636Cys)

Gene: CTR9 (CTR9 component of Paf1/RNA polymerase II complex; plus strand). Cytogenetic location: 11p15.4.
Variant type: single nucleotide variant.
Coding change: c.1907A>G on transcript NM_014633.5 (MANE Select); coding-DNA position 1907, A replaced by G.
Protein change: p.Tyr636Cys; replaces tyrosine 636 with cysteine.
Molecular consequence: missense variant.
Genome position (GRCh38, 1-based): chr11:10,768,108, A>G. VCF-style: chr11-10768108-A-G. GRCh37 (hg19) VCF-style: chr11-10789655-A-G.
Other names: c.1907A>G, p.Tyr636Cys (NM_001346279.2); short protein forms Y636C.
Identifiers: ClinVar variation 2444555 (VCV002444555.2), dbSNP rs2539384649, ClinGen allele CA379673919.

ClinVar aggregate classification (germline): Uncertain significance. Review status: criteria provided, multiple submitters, no conflicts (2 of 4 stars). 2 submissions from 2 submitters: Uncertain significance (2). Last evaluated 2025-11-13.

Submissions (2):

Labcorp Genetics (formerly Invitae), Labcorp
Classification: Uncertain significance. Last evaluated: 2025-11-13. Review status: criteria provided, single submitter. Criteria: Invitae Variant Classification Sherloc (09022015). Collection method: clinical testing. Allele origin: germline.
Comment: This sequence change replaces tyrosine, which is neutral and polar, with cysteine, which is neutral and slightly polar, at codon 636 of the CTR9 protein (p.Tyr636Cys). This variant is not present in population databases (gnomAD no frequency). This variant has not been reported in the literature in individuals affected with CTR9-related conditions. ClinVar contains an entry for this variant (Variation ID: 2444555). An algorithm developed to predict the effect of missense changes on protein structure and function (PolyPhen-2) suggests that this variant is likely to be tolerated. In summary, the available evidence is currently insufficient to determine the role of this variant in disease. Therefore, it has been classified as a Variant of Uncertain Significance.

GeneDx
Classification: Uncertain significance. Last evaluated: 2022-09-16. Review status: criteria provided, single submitter. Criteria: GeneDx Variant Classification Process June 2021. Collection method: clinical testing. Allele origin: germline. Affected: yes.
Comment: Not observed at significant frequency in large population cohorts (gnomAD); In silico analysis supports that this missense variant has a deleterious effect on protein structure/function; Has not been previously published as pathogenic or benign to our knowledge